The following is an entry in ClinVar:

NM_001267550.2(TTN):c.97605T>G (p.Ile32535Met)

Genes: TTN-AS1 (TTN antisense RNA 1; plus strand), TTN (titin; minus strand). Cytogenetic location: 2q31.2.
Variant type: single nucleotide variant.
Coding change: c.97605T>G on transcript NM_001267550.2 (MANE Select); coding-DNA position 97605, T replaced by G.
Protein change: p.Ile32535Met; replaces isoleucine 32535 with methionine.
Molecular consequence: missense variant.
Genome position (GRCh38, 1-based): chr2:178,541,472, A>C on the plus strand (T>G on the coding strand, the complement: TTN is on the minus strand). VCF-style: chr2-178541472-A-C. GRCh37 (hg19) VCF-style: chr2-179406199-A-C.
Other names: c.92682T>G, p.Ile30894Met (NM_001256850.1); c.70410T>G, p.Ile23470Met (NM_003319.4); c.89901T>G, p.Ile29967Met (NM_133378.4); c.70785T>G, p.Ile23595Met (NM_133432.3); c.70986T>G, p.Ile23662Met (NM_133437.4); short protein forms I30894M, I32535M, I23470M, I29967M, I23595M, I23662M.
Identifiers: ClinVar variation 515490 (VCV000515490.10), dbSNP rs760676361, ClinGen allele CA1986520.

ClinVar aggregate classification (germline): Conflicting classifications of pathogenicity. Review status: criteria provided, conflicting classifications (1 of 4 stars). 5 submissions from 5 submitters: Uncertain significance (4); Likely benign (1). Last evaluated 2025-08-19.

Conditions:
Autosomal recessive limb-girdle muscular dystrophy type 2J (LGMDR10). Also called: Limb-girdle muscular dystrophy, type 2J; MUSCULAR DYSTROPHY, LIMB-GIRDLE, AUTOSOMAL RECESSIVE 10. Identifiers: Orphanet 140922, MedGen C1837342, MONDO:0012127, OMIM 608807.
Dilated cardiomyopathy 1G (CMD1G). Identifiers: Orphanet 154, MedGen C1858763, MONDO:0011400, OMIM 604145.
TTN-related disorder. Also called: TTN-related condition; TTN-related disease; TTN-related disorders.
Cardiomyopathy (CMYO). Also called: Cardiomyopathies. Identifiers: Orphanet 167848, MedGen C0878544, MONDO:0004994, HP:0001638. Inheritance: Various modes of inheritance.

Allele frequency attached by ClinVar (database versions not stated): gnomAD 0.00002; gnomAD exomes 0.00002.
gnomAD v4.1: 79 of 1,613,368 alleles (0.0049%); highest among the groups gnomAD compares: Non-Finnish European, 0.0064%; no homozygotes.

Submissions (5):

PreventionGenetics, part of Exact Sciences
Classification: Uncertain significance for TTN-related condition. Last evaluated: 2025-08-19. Review status: criteria provided, single submitter. Criteria: ACMG Guidelines, 2015. Collection method: clinical testing. Allele origin: germline.
Comment: The TTN c.97605T>G variant is predicted to result in the amino acid substitution p.Ile32535Met. To our knowledge, this variant has not been reported in the literature. This variant is reported in 0.0083% of alleles in individuals of African descent in gnomAD. At this time, the clinical significance of this variant is uncertain due to the absence of conclusive functional and genetic evidence.

Revvity Omics, Revvity
Classification: Uncertain significance. Last evaluated: 2025-08-11. Review status: criteria provided, single submitter. Criteria: ACMG Guidelines, 2015. Collection method: clinical testing. Allele origin: germline.

CHEO Genetics Diagnostic Laboratory, Children's Hospital of Eastern Ontario
Classification: Uncertain significance for Cardiomyopathy. Last evaluated: 2018-07-30. Review status: criteria provided, single submitter. Criteria: ACMG Guidelines, 2015. Collection method: clinical testing. Allele origin: germline.

GeneDx
Classification: Likely benign. Last evaluated: 2018-02-15. Review status: criteria provided, single submitter. Criteria: GeneDx Variant Classification (06012015). Collection method: clinical testing. Allele origin: germline. Affected: yes.
Comment: This variant is considered likely benign or benign based on one or more of the following criteria: it is a conservative change, it occurs at a poorly conserved position in the protein, it is predicted to be benign by multiple in silico algorithms, and/or has population frequency not consistent with disease.

Labcorp Genetics (formerly Invitae), Labcorp
Classification: Uncertain significance for Dilated cardiomyopathy 1G; Autosomal recessive limb-girdle muscular dystrophy type 2J. Last evaluated: 2017-11-21. Review status: criteria provided, single submitter. Criteria: Invitae Variant Classification Sherloc (09022015). Collection method: clinical testing. Allele origin: germline.